The following is an entry in ClinVar:

ClinVar aggregate classification (germline): Likely benign (0 of 4 stars; one submission).

Conditions:
IQGAP1-related disorder. Also called: IQGAP1-related condition.

Allele frequency attached by ClinVar (database versions not stated): 1000 Genomes Project 0.00080; 1000 Genomes Project 30x 0.00094; ExAC 0.00101; gnomAD 0.00147; TOPMed 0.00165; ESP Exome Variant Server 0.00239.

Submission:

PreventionGenetics, part of Exact Sciences
Classification: Likely benign for IQGAP1-related condition. Last evaluated: 2022-06-24. Review status: no assertion criteria provided. Collection method: clinical testing. Allele origin: germline.
Comment: This variant is classified as likely benign based on ACMG/AMP sequence variant interpretation guidelines (Richards et al. 2015 PMID: 25741868, with internal and published modifications).

NM_003870.4(IQGAP1):c.3693G>A (p.Met1231Ile)

Gene: IQGAP1 (IQ motif containing GTPase activating protein 1; plus strand). Cytogenetic location: 15q26.1.
Variant type: single nucleotide variant.
Coding change: c.3693G>A on transcript NM_003870.4 (MANE Select); coding-DNA position 3693, G replaced by A.
Protein change: p.Met1231Ile; replaces methionine 1231 with isoleucine.
Molecular consequence: missense variant.
Genome position (GRCh38, 1-based): chr15:90,483,498, G>A. VCF-style: chr15-90483498-G-A. GRCh37 (hg19) VCF-style: chr15-91026730-G-A.
Other names: short protein forms M1231I.
Identifiers: ClinVar variation 3044119 (VCV003044119.2), dbSNP rs117246983, ClinGen allele CA7737157.
Genomic context (GRCh38, chr15:90,483,498, plus strand): 5'-GTCAGCAGGAGGCCAGCTTACCACAGACCAACGCCGAAATCTGGGCTCCATTGCAAAAAT[G>A]CTTCAGCATGCTGCTTCCAATAAGATGTTTCTGGGAGATAATGCCCACTTAAGCATCATT-3'
Protein context (NP_003861.1, residues 1221-1241): QRRNLGSIAK[Met1231Ile]LQHAASNKMF